The following is an entry in ClinVar:

NM_001048174.2(MUTYH):c.740C>A (p.Pro247Gln)

Gene: MUTYH (mutY DNA glycosylase; minus strand). Cytogenetic location: 1p34.1.
Variant type: single nucleotide variant.
Coding change: c.740C>A on transcript NM_001048174.2 (MANE Select); coding-DNA position 740, C replaced by A.
Protein change: p.Pro247Gln; replaces proline 247 with glutamine.
Molecular consequence: missense variant. On other transcripts: non-coding transcript variant (7).
Genome position (GRCh38, 1-based): chr1:45,332,275, G>T on the plus strand (C>A on the coding strand, the complement: MUTYH is on the minus strand). VCF-style: chr1-45332275-G-T. GRCh37 (hg19) VCF-style: chr1-45797947-G-T.
Other names: c.740C>A, p.Pro247Gln (NM_001048171.2, NM_001048173.2, NM_001293195.2 and 6 more transcripts); c.743C>A, p.Pro248Gln (NM_001048172.2, NM_001407071.1, NM_001407078.1 and 1 more transcripts); c.824C>A, p.Pro275Gln (NM_001128425.2); c.785C>A, p.Pro262Gln (NM_001293190.2); c.773C>A, p.Pro258Gln (NM_001293191.2, NM_001407069.1, NM_001407077.1); c.464C>A, p.Pro155Gln (NM_001293192.2, NM_001293196.2, NM_001407091.1); c.395C>A, p.Pro132Gln (NM_001350650.2, NM_001350651.2, NM_001407082.1); c.656C>A, p.Pro219Gln (NM_001407075.1); and 5 more; short protein forms P132Q, P155Q, P219Q, P233Q, P234Q, P247Q, P248Q, P254Q.
Identifiers: ClinVar variation 3233054 (VCV003233054.2), dbSNP rs1427656678, ClinGen allele CA340134663.

ClinVar aggregate classification (germline): Likely pathogenic (1 of 4 stars; one submission).

Conditions:
Hereditary cancer-predisposing syndrome. Also called: Neoplastic Syndromes, Hereditary; Tumor predisposition; Hereditary neoplastic syndrome; Hereditary Cancer Syndrome. Identifiers: Orphanet 140162, MedGen C0027672, MeSH D009386, MONDO:0015356.

Allele frequency attached by ClinVar (database versions not stated): gnomAD exomes below 0.00001.
gnomAD v4.1: 1 of 1,614,082 alleles (0.000062%); highest among the groups gnomAD compares: South Asian, 0.0011%; no homozygotes.

Submission:

Ambry Genetics
Classification: Likely pathogenic for Hereditary cancer-predisposing syndrome. Last evaluated: 2025-08-18. Review status: criteria provided, single submitter. Criteria: Ambry Variant Classification Scheme 2023. Collection method: clinical testing. Allele origin: germline.
Comment: The p.P275Q variant (also known as c.824C>A), located in coding exon 10 of the MUTYH gene, results from a C to A substitution at nucleotide position 824. The proline at codon 275 is replaced by glutamine, an amino acid with similar properties. In a massively parallel cell-based functional assay testing 7,8-dihydro-8- oxoguanine:adenine (8OG:A) repair activity, a byproduct of oxidative damage, this variant was reported to be non-functional (Hemker SL et al. Am J Hum Genet. Published online July 29, 2025. DOI: 10.1016/j.ajhg.2025.07.005). This amino acid position is highly conserved in available vertebrate species. In addition, this alteration is predicted to be deleterious by in silico analysis. This variant is considered to be rare based on population cohorts in the Genome Aggregation Database (gnomAD). Based on the majority of available evidence to date, this variant is likely to be pathogenic.

Literature cited by the submitters: PubMed 40738107.